The following is an entry in ClinVar:

NM_003072.5(SMARCA4):c.610G>T (p.Val204Leu)

Gene: SMARCA4 (SWI/SNF related BAF chromatin remodeling complex subunit ATPase 4; plus strand). Cytogenetic location: 19p13.2.
Variant type: single nucleotide variant.
Coding change: c.610G>T on transcript NM_003072.5 (MANE Select); coding-DNA position 610, G replaced by T.
Protein change: p.Val204Leu; replaces valine 204 with leucine.
Molecular consequence: missense variant. On other transcripts: non-coding transcript variant (1).
Genome position (GRCh38, 1-based): chr19:10,986,443, G>T. VCF-style: chr19-10986443-G-T. GRCh37 (hg19) VCF-style: chr19-11097119-G-T.
Other names: c.610G>T, p.Val204Leu (NM_001128847.4, NM_001128848.2, NM_001128849.3 and 6 more transcripts); short protein forms V204L.
Identifiers: ClinVar variation 2649309 (VCV002649309.24), dbSNP rs1599951334, ClinGen allele CA404056562.

ClinVar aggregate classification (germline): Uncertain significance (1 of 4 stars; one submission).

Submission:

CeGaT Center for Human Genetics Tuebingen
Classification: Uncertain significance. Last evaluated: 2023-06-01. Review status: criteria provided, single submitter. Criteria: CeGaT Center For Human Genetics Tuebingen Variant Classification Criteria Version 2. Collection method: clinical testing. Allele origin: germline. Affected: yes. Observed: 1 variant allele.
Comment: SMARCA4: PM2